The following is an entry in ClinVar:

NM_177438.3(DICER1):c.4552G>C (p.Val1518Leu)

Gene: DICER1 (dicer 1, ribonuclease III; minus strand). Cytogenetic location: 14q32.13.
Variant type: single nucleotide variant.
Coding change: c.4552G>C on transcript NM_177438.3 (MANE Select); coding-DNA position 4552, G replaced by C.
Protein change: p.Val1518Leu; replaces valine 1518 with leucine.
Molecular consequence: missense variant. On other transcripts: non-coding transcript variant (6).
Genome position (GRCh38, 1-based): chr14:95,096,368, C>G on the plus strand (G>C on the coding strand, the complement: DICER1 is on the minus strand). VCF-style: chr14-95096368-C-G. GRCh37 (hg19) VCF-style: chr14-95562705-C-G.
Other names: c.4552G>C, p.Val1518Leu (NM_001195573.1, NM_001271282.3, NM_001291628.2 and 12 more transcripts); c.4147G>C, p.Val1383Leu (NM_001395696.1, NM_001395687.1, NM_001395688.1 and 2 more transcripts); c.2869G>C, p.Val957Leu (NM_001395697.1); c.4270G>C, p.Val1424Leu (NM_001395686.1); c.3985G>C, p.Val1329Leu (NM_001395691.1); short protein forms V1329L, V1383L, V1518L, V957L, V1424L.
Identifiers: ClinVar variation 4240494 (VCV004240494.1).
Genomic context (GRCh38, chr14:95,096,368, plus strand): 5'-CAACACCACAGTTTTCTTCTGATGGATTCCAGAACCCCACCACAAAGTCATCTTCTTCAA[C>G]AGCTTTGCTAGGATCCAGATAGCACATTGCATCCCAAGAGCTGTAGTCAAAATCCTCAAA-3'
Protein context (NP_803187.1, residues 1508-1528): AMCYLDPSKA[Val1518Leu]EEDDFVVGFW

ClinVar aggregate classification (germline): Uncertain significance (1 of 4 stars; one submission).

Conditions:
Hereditary cancer-predisposing syndrome. Also called: Hereditary Cancer Syndrome; Hereditary neoplastic syndrome; Neoplastic Syndromes, Hereditary; Tumor predisposition. Identifiers: Orphanet 140162, MedGen C0027672, MeSH D009386, MONDO:0015356.

Submission:

Ambry Genetics
Classification: Uncertain significance for Hereditary cancer-predisposing syndrome. Last evaluated: 2025-07-09. Review status: criteria provided, single submitter. Criteria: Ambry Variant Classification Scheme 2023. Collection method: clinical testing. Allele origin: germline.
Comment: The p.V1518L variant (also known as c.4552G>C), located in coding exon 22 of the DICER1 gene, results from a G to C substitution at nucleotide position 4552. The valine at codon 1518 is replaced by leucine, an amino acid with highly similar properties. This amino acid position is conserved. In addition, the in silico prediction for this alteration is inconclusive. Based on the available evidence, the clinical significance of this variant remains unclear.